The following is an entry in ClinVar:

NM_005902.4(SMAD3):c.249C>T (p.Leu83=)

Gene: SMAD3 (SMAD family member 3; plus strand). Cytogenetic location: 15q22.33.
Variant type: single nucleotide variant.
Coding change: c.249C>T on transcript NM_005902.4 (MANE Select); coding-DNA position 249, C replaced by T.
Protein change: p.Leu83=; no amino-acid change (leucine 83 retained).
Molecular consequence: synonymous variant. On other transcripts: 5 prime UTR variant (1).
Genome position (GRCh38, 1-based): chr15:67,164,937, C>T. VCF-style: chr15-67164937-C-T. GRCh37 (hg19) VCF-style: chr15-67457275-C-T.
Other names: c.-67C>T (NM_001145102.2); c.117C>T, p.Leu39= (NM_001145103.2).
Identifiers: ClinVar variation 925495 (VCV000925495.3), dbSNP rs780111111, ClinGen allele CA062069.
Genomic context (GRCh38, chr15:67,164,937, plus strand): 5'-CCCTCCCCGTCCTGGCAGGTCCCTGGATGGCCGGTTGCAGGTGTCCCATCGGAAGGGGCT[C>T]CCTCATGTCATCTACTGCCGCCTGTGGCGATGGCCAGACCTGCACAGCCACCACGAGCTA-3'
Protein context (NP_005893.1, residues 73-93): GRLQVSHRKG[Leu83=]PHVIYCRLWR

ClinVar aggregate classification (germline): Likely benign. Review status: criteria provided, multiple submitters, no conflicts (2 of 4 stars). 2 submissions from 2 submitters: Likely benign (2). Last evaluated 2024-07-10.

Conditions:
Familial thoracic aortic aneurysm and aortic dissection (TAAD). Also called: Thoracic aortic aneurysms and dissections. Identifiers: Orphanet 91387, MedGen C4707243, MONDO:0019625.
Aneurysm-osteoarthritis syndrome. Also called: LOEYS-DIETZ SYNDROME WITH OSTEOARTHRITIS; SMAD3-Related Loeys-Dietz Syndrome; Loeys-Dietz syndrome, type 1C; ANEURYSMS-OSTEOARTHRITIS SYNDROME. Identifiers: Orphanet 284984, MedGen C3151087, MONDO:0013426, OMIM 613795.

Allele frequency attached by ClinVar (database versions not stated): gnomAD exomes below 0.00001; ExAC 0.00001.

Submissions (2):

All of Us Research Program, National Institutes of Health
Classification: Likely benign for Aneurysm-osteoarthritis syndrome. Last evaluated: 2024-07-10. Review status: criteria provided, single submitter. Criteria: ACMG Guidelines, 2015. Collection method: clinical testing. Allele origin: germline. Inheritance: Autosomal dominant inheritance. Observed: 1 variant allele, 1 heterozygote.
Comment: This study involves interpretation of variants in research participants for the purpose of population health screening. Participant phenotype was not available at the time of variant classification. Additional details can be found in publication PMID: 35346344, PMCID: PMC8962531

Color Diagnostics, LLC DBA Color Health
Classification: Likely benign for Familial thoracic aortic aneurysm and aortic dissection. Last evaluated: 2019-05-28. Review status: criteria provided, single submitter. Criteria: ACMG Guidelines, 2015. Collection method: clinical testing. Allele origin: germline.